The following is an entry in ClinVar:

ClinVar aggregate classification (germline): Conflicting classifications of pathogenicity. Review status: criteria provided, conflicting classifications (1 of 4 stars). 2 submissions from 2 submitters: Uncertain significance (1); Likely benign (1). Last evaluated 2024-04-12.

Conditions:
Hereditary breast ovarian cancer syndrome. Also called: Hereditary breast and/or ovarian cancer syndrome; BRCA1- and BRCA2-Associated Hereditary Breast and Ovarian Cancer; Hereditary breast and ovarian cancer syndrome; Hereditary breast and ovarian cancer; Hereditary breast and ovarian cancer syndrome (HBOC); Breast and ovarian cancer. Identifiers: Orphanet 145, MedGen C0677776, MeSH D061325, MONDO:0003582. Disease mechanism: loss of function.
Breast-ovarian cancer, familial, susceptibility to, 1 (BROVCA1). Also called: BRCA1 Hereditary Breast and Ovarian Cancer; OVARIAN CANCER, SUSCEPTIBILITY TO. Identifiers: Orphanet 145, MedGen C2676676, MONDO:0011450, OMIM 604370. Disease mechanism: loss of function.

Allele frequency attached by ClinVar (database versions not stated): gnomAD exomes below 0.00001; ExAC 0.00001.
gnomAD v4.1: 1 of 1,603,368 alleles (0.000062%); highest among the groups gnomAD compares: South Asian, 0.0011%; no homozygotes.

Submissions (3):

Lupski Lab, Baylor-Hopkins CMG, Baylor College of Medicine
Classification: Likely benign for Breast-ovarian cancer, familial, susceptibility to, 1. Last evaluated: 2024-04-12. Review status: criteria provided, single submitter. Criteria: Dawood et al. (medRxiv. 2024). Collection method: curation. Allele origin: germline.
Comment: Each variant was annotated with functional scores from MAVE data which was translated into functional evidence codes. All other evidence codes and combining criteria were adhered to as closely as possible based on the ClinGen VCEP (Variant Curation Expert Panel) gene-specific recommendations. See Supplemental Figure 34 of final paper (Supp Fig. 28 in preprint: doi:10.1101/2024.04.11.24305690) for a table to see which lines of evidence we did not have data for. The ClinGen VCEPs are highly regarded as the gold-standard for gene-specific variant curation and are developed after extensive evaluation of the evidence by clinical and scientific experts for the particular gene to classify genomic variants on a spectrum from pathogenic to benign using the 2015 ACMG/AMP Variant Interpretation Guidelines as a backbone (PMID: 25741868). Reclassification of these VUS variants from gnomAD or All of Us focused only on variants originally prescribed as VUS in ClinVar. To ensure reproducibility, transparency, and increased throughput, all the procedures for annotating variants and assigning evidence codes were codified using Python. All code has been made freely available and is linked in the Code Availability section and all reclassified variants with evidence codes used can be found in Tables S18-19 (preprint: doi:10.1101/2024.04.11.24305690). For the MAVE data, the clinical curation and clinical strength assignment as per the ClinGen recommendations in Brnich et al. (2020) (PMID: 31892348) for or against pathogenicity or benignity of each of these MAVE datasets utilized in this study were previously published in Fayer et al. (2021) (PMID: 34793697).In brief, for BRCA1 variants, if a variant was categorized as FUNC (functional), it was assigned BS3 evidence and no PS3 evidence, whereas if it was categorized as LOF (loss of function), the variant was assigned PS3 evidence and no BS3 evidence. Variants categorized as INT (intermediate) were left unannotated. For the BRCA1 combining criteria, greater than or equal to 1 criteria of strong benign evidence was enough to reclassify the VUS as Likely Benign. This variant GRCh37:17:41258523:C>G was assigned evidence codes ['BS3'] and an overall classification of Likely Benign

Labcorp Genetics (formerly Invitae), Labcorp
Classification: Uncertain significance for Hereditary breast ovarian cancer syndrome. Last evaluated: 2019-08-24. Review status: criteria provided, single submitter. Criteria: Invitae Variant Classification Sherloc (09022015). Collection method: clinical testing. Allele origin: germline.
Comment: This variant has been reported not to substantially affect BRCA1 protein function (PMID: 30209399). This variant has not been reported in the literature in individuals with BRCA1-related conditions. This variant is present in population databases (rs772226744, ExAC 0.006%). This sequence change replaces glutamine with histidine at codon 54 of the BRCA1 protein (p.Gln54His). The glutamine residue is moderately conserved and there is a small physicochemical difference between glutamine and histidine. In summary, the available evidence is currently insufficient to determine the role of this variant in disease. Therefore, it has been classified as a Variant of Uncertain Significance.

Brotman Baty Institute, University of Washington
No classification provided (evidence only). Condition: Breast-ovarian cancer, familial 1. Review status: no classification provided. Collection method: in vitro. Allele origin: not applicable. Functional consequence: functionally_normal. Not counted in ClinVar's aggregate classification.
ClinVar note: "not provided" was previously submitted as the classification for the variant. However, the classification appeared to be based only on an observation of functional data so it was converted to no classification on 2025-07-30.

Literature cited by the submitters: PubMed 39142283 (cited by Lupski Lab, Baylor-Hopkins CMG, Baylor College of Medicine); PubMed 34793697 (cited by Lupski Lab, Baylor-Hopkins CMG, Baylor College of Medicine); DOI 10.1101/2024.04.11.24305690 (cited by Lupski Lab, Baylor-Hopkins CMG, Baylor College of Medicine); PubMed 30209399 (cited by Labcorp Genetics (formerly Invitae), Labcorp).

NM_007294.4(BRCA1):c.162G>C (p.Gln54His)

Gene: BRCA1 (BRCA1 DNA repair associated; minus strand). Cytogenetic location: 17q21.31.
Variant type: single nucleotide variant.
Coding change: c.162G>C on transcript NM_007294.4 (MANE Select); coding-DNA position 162, G replaced by C.
Protein change: p.Gln54His; replaces glutamine 54 with histidine.
Molecular consequence: missense variant. On other transcripts: non-coding transcript variant (1).
Genome position (GRCh38, 1-based): chr17:43,106,506, C>G on the plus strand (G>C on the coding strand, the complement: BRCA1 is on the minus strand). VCF-style: chr17-43106506-C-G. GRCh37 (hg19) VCF-style: chr17-41258523-C-G.
Other names: c.-27G>C (NM_001407571.1, NM_001407853.1, NM_001407886.1 and 58 more transcripts); c.162G>C, p.Gln54His (NM_001407581.1, NM_001407582.1, NM_001407583.1 and 168 more transcripts); c.21G>C, p.Gln7His (NM_001407692.1, NM_001407694.1, NM_001407695.1 and 99 more transcripts); short protein forms Q7H, Q54H.
Identifiers: ClinVar variation 865213 (VCV000865213.14), dbSNP rs772226744, ClinGen allele CA053753.